The following is an entry in ClinVar:

ClinVar aggregate classification (germline): Likely benign (1 of 4 stars; one submission).

gnomAD v4.1: 118 of 1,159,666 alleles (0.01%); highest among the groups gnomAD compares: African/African-American, 0.16%; no homozygotes.

Submission:

Dasa
Classification: Likely benign. Last evaluated: 2025-12-26. Review status: criteria provided, single submitter. Criteria: DASA Assertion Criteria. Collection method: clinical testing. Allele origin: germline.
Comment: NM_005228.5(EGFR):c.1632-87A>G is an intronic variant. Population frequency is inconsistent with a disease-causing role for this variant, and the variant context is inconsistent with a known disease-causing mechanism. Therefore, based on the currently available evidence, this variant is classified as likely benign.

NM_005228.5(EGFR):c.1632-87A>G

Gene: EGFR (epidermal growth factor receptor; plus strand). Cytogenetic location: 7p11.2.
Variant type: single nucleotide variant.
Coding change: c.1632-87A>G on transcript NM_005228.5 (MANE Select); 87 bases into the intron before coding-DNA position 1632, A replaced by G.
Molecular consequence: intron variant.
Genome position (GRCh38, 1-based): chr7:55,163,646, A>G. VCF-style: chr7-55163646-A-G. GRCh37 (hg19) VCF-style: chr7-55231339-A-G.
Other names: c.1497-87A>G (NM_001346899.2, NM_001346897.2); c.831-87A>G (NM_001346941.2); c.1632-87A>G (NM_001346898.2, NM_201284.2, NM_201282.2); c.1473-87A>G (NM_001346900.2).
Identifiers: ClinVar variation 4856933 (VCV004856933.2).